The following is an entry in ClinVar:

ClinVar aggregate classification (germline): Uncertain significance (1 of 4 stars; one submission).

Allele frequency attached by ClinVar (database versions not stated): gnomAD 0.00001; gnomAD exomes 0.00001; ExAC 0.00002; TOPMed 0.00003.
gnomAD v4.1: 17 of 1,614,018 alleles (0.0011%); highest among the groups gnomAD compares: Middle Eastern, 0.016%; no homozygotes.

Submission:

Ambry Genetics
Classification: Uncertain significance. Last evaluated: 2023-02-03. Review status: criteria provided, single submitter. Criteria: Ambry Variant Classification Scheme 2023. Collection method: clinical testing. Allele origin: germline.
Comment: The p.R382Q variant (also known as c.1145G>A), located in coding exon 10 of the RAD54L gene, results from a G to A substitution at nucleotide position 1145. The arginine at codon 382 is replaced by glutamine, an amino acid with highly similar properties. This amino acid position is conserved. In addition, this alteration is predicted to be tolerated by in silico analysis. Since supporting evidence is limited at this time, the clinical significance of this alteration remains unclear.

NM_003579.4(RAD54L):c.1145G>A (p.Arg382Gln)

Gene: RAD54L (RAD54 like; plus strand). Cytogenetic location: 1p34.1.
Variant type: single nucleotide variant.
Coding change: c.1145G>A on transcript NM_003579.4 (MANE Select); coding-DNA position 1145, G replaced by A.
Protein change: p.Arg382Gln; replaces arginine 382 with glutamine.
Molecular consequence: missense variant.
Genome position (GRCh38, 1-based): chr1:46,270,761, G>A. VCF-style: chr1-46270761-G-A. GRCh37 (hg19) VCF-style: chr1-46736433-G-A.
Other names: c.1145G>A, p.Arg382Gln (NM_001142548.2); c.605G>A, p.Arg202Gln (NM_001370766.1); short protein forms R202Q, R382Q.
Identifiers: ClinVar variation 2464845 (VCV002464845.2), dbSNP rs751417601, ClinGen allele CA834478.
Genomic context (GRCh38, chr1:46,270,761, plus strand): 5'-TGAAGGGTCGAGACGCTGCTGCTAGTGAGGCAGACAGGCAGCTAGGAGAGGAGCGGCTGC[G>A]GGAGCTCACCAGCATTGTGAATAGGTAATGACCTTAAGCGAAGTCATTAGAATTGCCTCC-3'
Protein context (NP_003570.2, residues 372-392): ADRQLGEERL[Arg382Gln]ELTSIVNRCL